The following is an entry in ClinVar:

NM_000329.3(RPE65):c.74C>T (p.Pro25Leu)

Gene: RPE65 (retinoid isomerohydrolase RPE65; minus strand). Cytogenetic location: 1p31.3.
Variant type: single nucleotide variant.
Coding change: c.74C>T on transcript NM_000329.3 (MANE Select); coding-DNA position 74, C replaced by T.
Protein change: p.Pro25Leu; replaces proline 25 with leucine.
Molecular consequence: missense variant.
Genome position (GRCh38, 1-based): chr1:68,448,644, G>A on the plus strand (C>T on the coding strand, the complement: RPE65 is on the minus strand). VCF-style: chr1-68448644-G-A. GRCh37 (hg19) VCF-style: chr1-68914327-G-A.
Other names: NM_000329.3(RPE65):c.74C>T; p.Pro25Leu; short protein forms P25L.
Identifiers: ClinVar variation 437985 (VCV000437985.25), dbSNP rs199683808, ClinGen allele CA902628.

ClinVar aggregate classification (germline): Pathogenic. Review status: reviewed by expert panel (3 of 4 stars). 11 submissions from 11 submitters: Pathogenic (1). 10 of the submissions do not count toward it. Last evaluated 2024-04-22.

Conditions:
RPE65-related recessive retinopathy. Also called: Recessive RPE65 retinopathy. Identifiers: MedGen CN305526, MONDO:0100368.
RPE65-related disorder. Also called: RPE65-related condition; RPE65-related disorders. Identifiers: MedGen CN239301.
Retinitis pigmentosa 20 (RP20). Identifiers: Orphanet 791, MedGen C3151086, MONDO:0013425, OMIM 613794.
Leber congenital amaurosis 2 (LCA2). Also called: AMAUROSIS CONGENITA OF LEBER II; Autosomal Recessive RPE65-Related Retinal Degeneration. Identifiers: Orphanet 65, MedGen C1859844, MONDO:0008765, OMIM 204100. Disease mechanism: loss of function.
Retinitis pigmentosa 87 with choroidal involvement. Identifiers: MedGen C5231465, MONDO:0032873, OMIM 618697.
Retinal dystrophy. Also called: Inherited retinal dystrophy. Identifiers: Orphanet 71862, MedGen C0854723, MeSH D058499, MONDO:0019118, HP:0000556.
Leber congenital amaurosis (LCA). Also called: Leber's amaurosis. Identifiers: Orphanet 65, MedGen C0339527, MeSH D057130, MONDO:0018998.
Retinitis pigmentosa (RP). Identifiers: Orphanet 791, MedGen C0035334, MeSH D012174, MONDO:0019200, OMIM 268000. Inheritance: Autosomal dominant, autosomal recessive and X linked inheritance.

Allele frequency attached by ClinVar (database versions not stated): TOPMed below 0.00001; gnomAD exomes 0.00002 and 0.00003; ExAC 0.00003.
gnomAD v4.1: 37 of 1,613,730 alleles (0.0023%); highest among the groups gnomAD compares: South Asian, 0.0066%; no homozygotes.

Submissions (11):

ClinGen Leber Congenital Amaurosis/early Onset Retinal Dystrophy Variant Curation Expert Panel, ClinGen
Classification: Pathogenic for RPE65-related recessive retinopathy. Last evaluated: 2024-04-22. Review status: reviewed by expert panel. Criteria: ClinGen LCAeoRD ACMG Specifications RPE65 V1.0.0. Collection method: curation. Allele origin: germline. Inheritance: Autosomal recessive inheritance.
Comment: NM_000329.3(RPE65):c.74C>T is a missense variant predicted to replace proline with leucine at position 25 in exon 2 of RPE65. This variant has been reported in at least 1 proband with early-onset severe retinal dystrophy who was homozygous for the variant (0.5 points, PMIDs: 18599565). This variant has also been reported in at least 3 probands with early-onset severe retinal dystrophy who were either compound heterozygous with the c.893del p.Lys298fs variant confirmed in trans (1 pt), with the Arg515Trp variant suspected in trans (0.5 pts), or with the c.11+5G>A variant suspected in trans (0.5 pts), PMIDs: 35001204, 36672611, 30025081), which were all previously classified as pathogenic by the ClinGen LCA / eoRD VCEP (2.5 total points, PM3_Strong). This variant has also been reported in additional probands in the compound heterozygous state with the Ala434Glu or Tyr79His variants, but these cases were not considered to avoid circularity in the application of the PM3 code or due to insufficient phenotype data (PMIDs 29033008, 32581362, 22807296). At least one proband harboring this variant exhibits a phenotype including significant, documented improvement of dark-adapted vision after treatment with RPE65 gene therapy (8 pt), congenital night blindness (0.5 pt), nystagmus (1 pt), decreased central visual acuity (1 pt), and onset between birth and age five years (1 pt), which together are highly specific for RPE65-related recessive retinopathy (11.5 points, PMID: 36672611, PP4_Moderate). The variant exhibited 7.75% enzymatic activity in a retinoid isomerase assay relative to the wild-type control, which is lower than the ClinGen LCA / eoRD PS3_Supporting threshold of <10% activity, indicating that it triggers a severe defect in protein function (PS3_Supporting, PMID: 18599565). The computational predictor REVEL gives a score of 0.898, which is above the ClinGen LCA / eoRD VCEP threshold of ≥ 0.773 and predicts a damaging effect on RPE65 function (PP3_Moderate). This variant is present in gnomAD v.2.1.1 at a GrpMax allele frequency of 0.0001, with 1/30582 total alleles in the South Asian population, which is lower than the ClinGen LCA / eoRD VCEP PM2_Supporting threshold of <0.0002 (PM2_Supporting). In summary, this variant meets the criteria to be classified as Pathogenic for RPE65-related recessive retinopathy based on the ACMG/AMP criteria applied, as specified by the ClinGen LCA/eoRD VCEP: PM3_Strong, PP3_Moderate, PP4_Moderate, PS3_Supporting, PM3_Supporting (VCEP specifications version 1.0.0; date of approval 09/21/2023).

Natera, Inc.
Classification: Likely pathogenic for Leber congenital amaurosis. Last evaluated: 2026-01-24. Review status: criteria provided, single submitter. Criteria: Natera Variant Classification Schema (03/2026). Collection method: clinical testing. Allele origin: germline. Not counted in ClinVar's aggregate classification.
Comment: The c.74C>T variant in RPE65 is a missense variant predicted to cause substitution of proline to leucine at amino acid 25. This variant is rare in the general population with a frequency below the threshold expected for the associated phenotype(s). This variant has been observed in one or more individuals affected with the associated recessive disease, as either homozygous or compound heterozygous with a second variant (PMID: 39462066, 35001204, 30268864, 30025081, 29033008, 18599565). Functional studies show that this variant may disrupt protein function (PMID: 41051147). Computational prediction algorithms indicate this variant is likely to affect gene or protein function. Given the available evidence, this variant is classified as Likely Pathogenic.

Myriad Genetics, Inc.
Classification: Likely pathogenic for RPE65-related recessive retinopathy. Last evaluated: 2025-01-17. Review status: criteria provided, single submitter. Criteria: Myriad Autosomal Dominant, Autosomal Recessive and X-Linked Classification Criteria (2023). Collection method: clinical testing. Allele origin: unknown. Not counted in ClinVar's aggregate classification.
Comment: NM_000329.2(RPE65):c.74C>T(P25L) is a missense variant classified as likely pathogenic in the context of inherited retinal dystrophy, RPE65-related. P25L has been observed in cases with relevant disease (PMID: 29033008, 34906470, 30268864, 18599565, 32347917, 35001204). Relevant functional assessments of this variant are available in the literature (PMID: 18599565, 25972377, 19920137). P25L has been observed in referenced population frequency databases. In summary, NM_000329.2(RPE65):c.74C>T(P25L) is a missense variant that has functional support for pathogenicity and has been observed more frequently in cases with the relevant disease than in healthy populations. Please note: this variant was assessed in the context of healthy population screening.

Fulgent Genetics
Classification: Likely pathogenic for Leber congenital amaurosis 2; Retinitis pigmentosa 20; Retinitis pigmentosa 87 with choroidal involvement. Last evaluated: 2024-05-03. Review status: criteria provided, single submitter. Criteria: ACMG Guidelines, 2015. Collection method: clinical testing. Allele origin: germline. Not counted in ClinVar's aggregate classification.

Labcorp Genetics (formerly Invitae), Labcorp
Classification: Pathogenic for Leber congenital amaurosis 2; Retinitis pigmentosa 20. Last evaluated: 2024-03-29. Review status: criteria provided, single submitter. Criteria: Invitae Variant Classification Sherloc (09022015). Collection method: clinical testing. Allele origin: germline. Not counted in ClinVar's aggregate classification.
Comment: This sequence change replaces proline, which is neutral and non-polar, with leucine, which is neutral and non-polar, at codon 25 of the RPE65 protein (p.Pro25Leu). This variant is present in population databases (rs199683808, gnomAD 0.007%). This missense change has been observed in individuals with autosomal recessive inherited retinal dystrophy (PMID: 18599565, 28041643, 30268864, 34906470). ClinVar contains an entry for this variant (Variation ID: 437985). Advanced modeling of protein sequence and biophysical properties (such as structural, functional, and spatial information, amino acid conservation, physicochemical variation, residue mobility, and thermodynamic stability) performed at Invitae indicates that this missense variant is not expected to disrupt RPE65 protein function with a negative predictive value of 80%. Experimental studies have shown that this missense change affects RPE65 function (PMID: 18599565, 25972377). For these reasons, this variant has been classified as Pathogenic.

Blueprint Genetics
Classification: Pathogenic for RPE65-related disorders. Last evaluated: 2024-02-15. Review status: criteria provided, single submitter. Criteria: ACMG Guidelines, 2015. Collection method: clinical testing. Allele origin: germline. Affected: yes. Observed: 5 variant alleles. Not counted in ClinVar's aggregate classification.

Baylor Genetics
Classification: Likely pathogenic for Leber congenital amaurosis 2. Last evaluated: 2024-01-29. Review status: criteria provided, single submitter. Criteria: ACMG Guidelines, 2015. Collection method: clinical testing. Allele origin: unknown. Not counted in ClinVar's aggregate classification.

Broad Center for Mendelian Genomics, Broad Institute of MIT and Harvard
Classification: Likely pathogenic for Retinitis pigmentosa. Last evaluated: 2021-04-01. Review status: criteria provided, single submitter. Criteria: ACMG Guidelines, 2015. Collection method: curation. Allele origin: germline. Inheritance: Autosomal recessive inheritance. Affected: yes. Not counted in ClinVar's aggregate classification.
Comment: Through a review of available evidence we were able to apply the following criteria: PM3, PS3, PM3. Based on this evidence we have classified this variant as Likely Pathogenic. If you have any questions about the classification please reach out to the Pierce Lab.

Institute of Human Genetics, Univ. Regensburg, Univ. Regensburg
Classification: Pathogenic for Retinal dystrophy. Last evaluated: 2020-01-01. Review status: criteria provided, single submitter. Criteria: ACMG Guidelines, 2015. Collection method: clinical testing. Allele origin: germline. Affected: yes. Not counted in ClinVar's aggregate classification.

NIHR Bioresource Rare Diseases, University of Cambridge
Classification: Likely pathogenic for Retinal dystrophy. Last evaluated: 2015-01-01. Review status: no assertion criteria provided. Collection method: research. Allele origin: unknown. Affected: yes. Observed: 1 variant allele. Not counted in ClinVar's aggregate classification.

Laboratory of Genetics in Ophthalmology, Institut Imagine
Classification: Likely pathogenic for Leber congenital amaurosis 2. Review status: no assertion criteria provided. Collection method: research. Allele origin: inherited. Affected: yes. Observed: 1 variant allele. Not counted in ClinVar's aggregate classification.

Literature cited by the submitters: PubMed 39462066 (cited by Natera, Inc.); PubMed 35001204 (cited by Natera, Inc. and Myriad Genetics, Inc.); PubMed 30268864 (cited by 5 submitters); PubMed 30025081 (cited by Natera, Inc.); PubMed 29033008 (cited by Natera, Inc. and Myriad Genetics, Inc.); PubMed 18599565 (cited by 7 submitters); PubMed 41051147 (cited by Natera, Inc.); PubMed 19920137 (cited by Myriad Genetics, Inc.); PubMed 25972377 (cited by 4 submitters); PubMed 32347917 (cited by Myriad Genetics, Inc.); PubMed 34906470 (cited by 3 submitters); PubMed 28041643 (cited by 3 submitters); PubMed 25525159 (cited by Broad Center for Mendelian Genomics, Broad Institute of MIT and Harvard and Institute of Human Genetics, Univ. Regensburg, Univ. Regensburg); PubMed 32581362 (cited by Broad Center for Mendelian Genomics, Broad Institute of MIT and Harvard and Institute of Human Genetics, Univ. Regensburg, Univ. Regensburg); PubMed 31589614 (cited by Institute of Human Genetics, Univ. Regensburg, Univ. Regensburg); PubMed 31964843 (cited by Institute of Human Genetics, Univ. Regensburg, Univ. Regensburg); PubMed 33749171 (cited by Institute of Human Genetics, Univ. Regensburg, Univ. Regensburg).